The following is an entry in ClinVar:

NM_006118.4(HAX1):c.125G>T (p.Gly42Val)

Gene: HAX1 (HCLS1 associated protein X-1; plus strand). Cytogenetic location: 1q21.3.
Variant type: single nucleotide variant.
Coding change: c.125G>T on transcript NM_006118.4 (MANE Select); coding-DNA position 125, G replaced by T.
Protein change: p.Gly42Val; replaces glycine 42 with valine.
Molecular consequence: missense variant. On other transcripts: intron variant (1).
Genome position (GRCh38, 1-based): chr1:154,273,407, G>T. VCF-style: chr1-154273407-G-T. GRCh37 (hg19) VCF-style: chr1-154245883-G-T.
Other names: c.54-73G>T (NM_001018837.2); short protein forms G42V.
Identifiers: ClinVar variation 5022572 (VCV005022572.1).

ClinVar aggregate classification (germline): Uncertain significance (1 of 4 stars; one submission).

Conditions:
Inborn genetic diseases. Identifiers: MedGen C0950123, MeSH D030342.

gnomAD v4.1: 1 of 1,613,808 alleles (0.000062%); highest among the groups gnomAD compares: Non-Finnish European, 0.000085%; no homozygotes.

Submission:

Ambry Genetics
Classification: Uncertain significance for Inborn genetic diseases. Last evaluated: 2026-06-23. Review status: criteria provided, single submitter. Criteria: Ambry Variant Classification Scheme 2023. Collection method: clinical testing. Allele origin: germline.
Comment: The p.G42V variant (also known as c.125G>T), located in coding exon 2 of the HAX1 gene, results from a G to T substitution at nucleotide position 125. The glycine at codon 42 is replaced by valine, an amino acid with dissimilar properties. This amino acid position is conserved. In addition, this alteration is predicted to be tolerated by in silico analysis. Based on the available evidence, the clinical significance of this variant remains unclear.